The following is an entry in ClinVar:

ClinVar aggregate classification (germline): Pathogenic (1 of 4 stars; one submission).

Conditions:
Developmental and epileptic encephalopathy, 42 (DEE42A). Also called: DEVELOPMENTAL AND EPILEPTIC ENCEPHALOPATHY 42A; EPILEPTIC ENCEPHALOPATHY, EARLY INFANTILE, 42A; Epileptic encephalopathy, early infantile, 42. Identifiers: MedGen C4310716, MONDO:0014917, OMIM 617106.
Episodic ataxia type 2 (EA2). Also called: EPISODIC ATAXIA, NYSTAGMUS-ASSOCIATED; ACETAZOLAMIDE-RESPONSIVE HEREDITARY PAROXYSMAL CEREBELLAR ATAXIA; ATAXIA, EPISODIC, WITH NYSTAGMUS; ATAXIA, FAMILIAL PAROXYSMAL; CEREBELLAR ATAXIA, PAROXYSMAL, ACETAZOLAMIDE-RESPONSIVE; CEREBELLOPATHY, HEREDITARY PAROXYSMAL. Identifiers: Orphanet 97, MedGen C1720416, MONDO:0007163, OMIM 108500.

Submission:

Labcorp Genetics (formerly Invitae), Labcorp
Classification: Pathogenic for Developmental and epileptic encephalopathy, 42; Episodic ataxia type 2. Last evaluated: 2020-08-11. Review status: criteria provided, single submitter. Criteria: Invitae Variant Classification Sherloc (09022015). Collection method: clinical testing. Allele origin: germline.
Comment: The frequency data for this variant in the population databases is considered unreliable, as metrics indicate insufficient coverage at this position in the ExAC database. This sequence change creates a premature translational stop signal (p.Ser2125*) in the CACNA1A gene. It is expected to result in an absent or disrupted protein product. This variant has not been reported in the literature in individuals with CACNA1A-related conditions. Loss-of-function variants in CACNA1A are known to be pathogenic (PMID: 10371528, 19486177, 25735478, 27250579). For these reasons, this variant has been classified as Pathogenic.

Literature cited by the submitters: PubMed 10371528; PubMed 19486177; PubMed 25735478; PubMed 27250579.

NM_001127222.2(CACNA1A):c.6371C>A (p.Ser2124Ter)

Gene: CACNA1A (calcium voltage-gated channel subunit alpha1 A; minus strand). Cytogenetic location: 19p13.13.
Variant type: single nucleotide variant.
Coding change: c.6371C>A on transcript NM_001127222.2 (MANE Select); coding-DNA position 6371, C replaced by A.
Protein change: p.Ser2124Ter; replaces serine 2124 with a stop codon.
Molecular consequence: nonsense.
Genome position (GRCh38, 1-based): chr19:13,209,467, G>T on the plus strand (C>A on the coding strand, the complement: CACNA1A is on the minus strand). VCF-style: chr19-13209467-G-T. GRCh37 (hg19) VCF-style: chr19-13320281-G-T.
Other names: c.6389C>A, p.Ser2130Ter (NM_000068.4, NM_023035.3); c.6374C>A, p.Ser2125Ter (NM_001127221.2); c.6380C>A, p.Ser2127Ter (NM_001174080.2); short protein forms S2124*, S2125*, S2127*, S2130*.
Identifiers: ClinVar variation 1075147 (VCV001075147.7), dbSNP rs2144506487, ClinGen allele CA404331086.